The following is an entry in ClinVar:

NM_031471.6(FERMT3):c.1658_1659del (p.Tyr553fs)

Gene: FERMT3 (FERM domain containing kindlin 3; plus strand). Cytogenetic location: 11q13.1.
Variant type: Deletion.
Coding change: c.1658_1659del on transcript NM_031471.6 (MANE Select); coding-DNA positions 1658 to 1659, 2 bases deleted (AT; older notation c.1658_1659delAT).
Protein change: p.Tyr553fs; shifts the reading frame from tyrosine 553.
Molecular consequence: frameshift variant.
Genome position (GRCh38, 1-based): chr11:64,221,128-64,221,129, AT deleted; deleting any 2 consecutive bases within chr11:64,221,127-64,221,129 gives the same sequence; the c. name uses the placement nearest the transcript's 3' end. VCF-style (leftmost placement, unchanged base first): chr11-64221126-CTA-C. GRCh37 (hg19) VCF-style: chr11-63988598-CTA-C.
Other names: c.1658_1659del, p.Tyr553fs (NM_001382361.1, NM_001382448.1); c.1670_1671del, p.Tyr557fs (NM_001382362.1, NM_178443.3); c.1118_1119del, p.Tyr373fs (NM_001382363.1); c.1130_1131del, p.Tyr377fs (NM_001382364.1); short protein forms Y553fs, Y557fs, Y373fs, Y377fs.
Identifiers: ClinVar variation 643951 (VCV000643951.8), dbSNP rs1591041141, ClinGen allele CA915948207.

ClinVar aggregate classification (germline): Uncertain significance (1 of 4 stars; one submission).

Conditions:
Leukocyte adhesion deficiency 3. Also called: Leukocyte adhesion deficiency, type III; INTEGRIN ACTIVATION DEFICIENCY DISEASE; LEUKOCYTE ADHESION DEFICIENCY 1 VARIANT. Identifiers: Orphanet 2968, Orphanet 99844, MedGen C2748536, MONDO:0013016, OMIM 612840.

Submission:

Labcorp Genetics (formerly Invitae), Labcorp
Classification: Uncertain significance for Leukocyte adhesion deficiency 3. Last evaluated: 2018-08-28. Review status: criteria provided, single submitter. Criteria: Invitae Variant Classification Sherloc (09022015). Collection method: clinical testing. Allele origin: germline.
Comment: This sequence change results in a premature translational stop signal in the FERMT3 gene (p.Tyr553Cysfs*57). While this is not anticipated to result in nonsense mediated decay, it is expected to disrupt the last 112 amino acids of the FERMT3 protein. This variant is not present in population databases (ExAC no frequency). This variant has not been reported in the literature in individuals with FERMT3-related disease. The observation of one or more missense substitutions downstream of this variant (p.Gln595Pro) in affected individuals suggests that this may be a clinically significant region of the FERMT3 protein (PMID: 26359933). In summary, the available evidence is currently insufficient to determine the role of this variant in disease. Therefore, it has been classified as a Variant of Uncertain Significance.

Literature cited by the submitters: PubMed 26359933.